The following is an entry in ClinVar:

NM_002087.4(GRN):c.1156_1157del (p.Trp386fs)

Gene: GRN (granulin precursor; plus strand). Cytogenetic location: 17q21.31.
Variant type: Deletion.
Coding change: c.1156_1157del on transcript NM_002087.4 (MANE Select); coding-DNA positions 1156 to 1157, 2 bases deleted (TG; older notation c.1156_1157delTG).
Protein change: p.Trp386fs; shifts the reading frame from tryptophan 386.
Molecular consequence: frameshift variant.
Genome position (GRCh38, 1-based): chr17:44,351,772-44,351,773, TG deleted; deleting any 2 consecutive bases within chr17:44,351,771-44,351,773 gives the same sequence; the c. name uses the placement nearest the transcript's 3' end. VCF-style (leftmost placement, unchanged base first): chr17-44351770-AGT-A. GRCh37 (hg19) VCF-style: chr17-42429138-AGT-A.
Other names: p.Trp386Glyfs*27; short protein forms W386fs.
Identifiers: ClinVar variation 4542182 (VCV004542182.1).

ClinVar aggregate classification (germline): Likely pathogenic (1 of 4 stars; one submission).

Submission:

Mayo Clinic Laboratories, Mayo Clinic
Classification: Likely pathogenic. Last evaluated: 2025-09-19. Review status: criteria provided, single submitter. Criteria: ACMG Guidelines, 2015. Collection method: clinical testing. Allele origin: germline. Observed: 1 variant allele.
Comment: PM2_supporting, PVS1